The following is an entry in ClinVar:

ClinVar aggregate classification (germline): Uncertain significance (1 of 4 stars; one submission).

Conditions:
Achondrogenesis, type IB (ACG1B). Also called: Achondrogenesis Type 1B. Identifiers: Orphanet 932, Orphanet 93298, MedGen C0265274, MONDO:0010966, OMIM 600972.
Multiple epiphyseal dysplasia type 4 (EDM4). Also called: SLC26A2-Related Multiple Epiphyseal Dysplasia; Multiple Epiphyseal Dysplasia, Recessive; MULTIPLE EPIPHYSEAL DYSPLASIA WITH BILAYERED PATELLAE; MULTIPLE EPIPHYSEAL DYSPLASIA WITH CLUBFOOT; MULTIPLE EPIPHYSEAL DYSPLASIA, AUTOSOMAL RECESSIVE. Identifiers: Orphanet 93307, MedGen C1847593, MONDO:0009189, OMIM 226900.
Atelosteogenesis type II (AO2). Also called: Neonatal osseous dysplasia 1; SLC26A2-Related Atelosteogenesis; NEONATAL OSSEOUS DYSPLASIA I. Identifiers: Orphanet 56304, MedGen C1850554, MONDO:0009727, OMIM 256050.
Diastrophic dysplasia (DTD). Also called: Diastrophic dwarfism. Identifiers: Orphanet 628, MedGen C0220726, MONDO:0009107, OMIM 222600.

Allele frequency attached by ClinVar (database versions not stated): gnomAD exomes below 0.00001.
gnomAD v4.1: 3 of 1,614,068 alleles (0.00019%); highest among the groups gnomAD compares: Non-Finnish European, 0.00025%; no homozygotes.

Submission:

Labcorp Genetics (formerly Invitae), Labcorp
Classification: Uncertain significance for Atelosteogenesis type II; Multiple epiphyseal dysplasia type 4; Achondrogenesis, type IB; Diastrophic dysplasia. Last evaluated: 2021-09-02. Review status: criteria provided, single submitter. Criteria: Invitae Variant Classification Sherloc (09022015). Collection method: clinical testing. Allele origin: germline.
Comment: This sequence change replaces serine with phenylalanine at codon 347 of the SLC26A2 protein (p.Ser347Phe). The serine residue is highly conserved and there is a large physicochemical difference between serine and phenylalanine. This variant is not present in population databases (ExAC no frequency). This variant has not been reported in the literature in individuals affected with SLC26A2-related conditions. Advanced modeling of protein sequence and biophysical properties (such as structural, functional, and spatial information, amino acid conservation, physicochemical variation, residue mobility, and thermodynamic stability) performed at Invitae indicates that this missense variant is expected to disrupt SLC26A2 protein function. In summary, the available evidence is currently insufficient to determine the role of this variant in disease. Therefore, it has been classified as a Variant of Uncertain Significance.

NM_000112.4(SLC26A2):c.1040C>T (p.Ser347Phe)

Gene: SLC26A2 (solute carrier family 26 member 2; plus strand). Cytogenetic location: 5q32.
Variant type: single nucleotide variant.
Coding change: c.1040C>T on transcript NM_000112.4 (MANE Select); coding-DNA position 1040, C replaced by T.
Protein change: p.Ser347Phe; replaces serine 347 with phenylalanine.
Molecular consequence: missense variant.
Genome position (GRCh38, 1-based): chr5:149,980,633, C>T. VCF-style: chr5-149980633-C-T. GRCh37 (hg19) VCF-style: chr5-149360196-C-T.
Other names: short protein forms S347F.
Identifiers: ClinVar variation 2159587 (VCV002159587.1), dbSNP rs2480774865, ClinGen allele CA361707017.